The following is an entry in ClinVar:

ClinVar aggregate classification (germline): Uncertain significance (1 of 4 stars; one submission).

Conditions:
Hereditary cancer-predisposing syndrome. Also called: Neoplastic Syndromes, Hereditary; Tumor predisposition; Hereditary Cancer Syndrome; Hereditary neoplastic syndrome. Identifiers: Orphanet 140162, MedGen C0027672, MeSH D009386, MONDO:0015356.

Submission:

Ambry Genetics
Classification: Uncertain significance for Hereditary cancer-predisposing syndrome. Last evaluated: 2025-09-19. Review status: criteria provided, single submitter. Criteria: Ambry Variant Classification Scheme 2023. Collection method: clinical testing. Allele origin: germline.
Comment: The p.P192S variant (also known as c.574C>T), located in coding exon 3 of the PHOX2B gene, results from a C to T substitution at nucleotide position 574. The proline at codon 192 is replaced by serine, an amino acid with similar properties. This amino acid position is conserved. In addition, the in silico prediction for this alteration is inconclusive. Based on the available evidence, the clinical significance of this variant remains unclear.

NM_003924.4(PHOX2B):c.574C>T (p.Pro192Ser)

Gene: PHOX2B (paired like homeobox 2B; minus strand). Cytogenetic location: 4p13.
Variant type: single nucleotide variant.
Coding change: c.574C>T on transcript NM_003924.4 (MANE Select); coding-DNA position 574, C replaced by T.
Protein change: p.Pro192Ser; replaces proline 192 with serine.
Molecular consequence: missense variant.
Genome position (GRCh38, 1-based): chr4:41,746,178, G>A on the plus strand (C>T on the coding strand, the complement: PHOX2B is on the minus strand). VCF-style: chr4-41746178-G-A. GRCh37 (hg19) VCF-style: chr4-41748195-G-A.
Other names: short protein forms P192S.
Identifiers: ClinVar variation 4665891 (VCV004665891.1).